The following is an entry in ClinVar:

NM_000404.4(GLB1):c.1279_1298del (p.Ser427fs)

Gene: GLB1 (galactosidase beta 1; minus strand). Cytogenetic location: 3p22.3.
Variant type: Deletion.
Coding change: c.1279_1298del on transcript NM_000404.4 (MANE Select); coding-DNA positions 1279 to 1298, 20 bases deleted (AGCAACCCAGCACCTCTCTC).
Protein change: p.Ser427fs; shifts the reading frame from serine 427.
Molecular consequence: frameshift variant.
Genome position (GRCh38, 1-based): chr3:33,018,497-33,018,516, GAGAGAGGTGCTGGGTTGCT deleted on the plus strand (AGCAACCCAGCACCTCTCTC on the coding strand, the reverse complement: GLB1 is on the minus strand); deleting any 20 consecutive bases within chr3:33,018,497-33,018,517 gives the same sequence; the c. name uses the placement nearest the transcript's 3' end. VCF-style (leftmost placement, unchanged base first): chr3-33018496-AGAGAGAGGTGCTGGGTTGCT-A. GRCh37 (hg19) VCF-style: chr3-33059988-AGAGAGAGGTGCTGGGTTGCT-A.
Other names: c.1189_1208del, p.Ser397fs (NM_001079811.3); c.886_905del, p.Ser296fs (NM_001135602.3); c.1423_1442del, p.Ser475fs (NM_001317040.2); c.1279_1298del, p.Ser427fs (NM_001393580.1); short protein forms S397fs, S427fs, S296fs, S475fs.
Identifiers: ClinVar variation 2114150 (VCV002114150.5), dbSNP rs2471261296, ClinGen allele CA2579984152.
Genomic context (GRCh38, chr3:33,018,496, plus strand): 5'-GACGATTCTTACCCCATCCACAGCAACATATGCTCGATCGTGGACTCCATTGAGGGGTGA[AGAGAGAGGTGCTGGGTTGCT>A]GCAATCTTGAGGAAGTGTTGTCCGGTACAGCACAAACCCATAATGCTGGTTAGAAAAGGA-3'

ClinVar aggregate classification (germline): Pathogenic. Review status: criteria provided, multiple submitters, no conflicts (2 of 4 stars). 2 submissions from 2 submitters: Pathogenic (2). Last evaluated 2026-01-21.

Conditions:
GM1 gangliosidosis. Identifiers: Orphanet 354, MedGen C0085131, MONDO:0018149.
Mucopolysaccharidosis, MPS-IV-B (MPS4B). Also called: MORQUIO SYNDROME B; Mucopolysaccharidosis Type IVB; Mucopolysaccharidosis Type IVB (Morquio B Disease); Mucopolysaccharidosis type IVB (Morquio); MPS IVB; Mucopolysaccharidosis type IV B. Identifiers: Orphanet 309310, Orphanet 582, MedGen C0086652, MONDO:0009660, OMIM 253010.
GLB1-related disorder. Also called: GLB1-related disorders. Identifiers: MedGen CN377807.

Submissions (2):

Myriad Genetics, Inc.
Classification: Pathogenic for GLB1-related disorder. Last evaluated: 2026-01-21. Review status: criteria provided, single submitter. Criteria: Myriad Autosomal Dominant, Autosomal Recessive and X-Linked Classification Criteria (2023). Collection method: clinical testing. Allele origin: unknown.
Comment: NM_000404.2(GLB1):c.1279_1298del20(S427Ffs*23) is a frameshift variant classified as pathogenic in the context of GLB1-related disorders. S427Ffs*23 has not been observed in cases with relevant disease. Relevant functional assessments of this variant are not available in the literature. S427Ffs*23 has not been observed in referenced population frequency databases. In summary, NM_000404.2(GLB1):c.1279_1298del20(S427Ffs*23) is a frameshift variant in a gene where loss of function is a known mechanism of disease and is predicted to disrupt protein function. Please note: this variant was assessed in the context of healthy population screening.

Labcorp Genetics (formerly Invitae), Labcorp
Classification: Pathogenic for Mucopolysaccharidosis, MPS-IV-B; GM1 gangliosidosis. Last evaluated: 2022-03-19. Review status: criteria provided, single submitter. Criteria: Invitae Variant Classification Sherloc (09022015). Collection method: clinical testing. Allele origin: germline.
Comment: This variant is not present in population databases (gnomAD no frequency). For these reasons, this variant has been classified as Pathogenic. This variant has not been reported in the literature in individuals affected with GLB1-related conditions. This sequence change creates a premature translational stop signal (p.Ser427Phefs*23) in the GLB1 gene. It is expected to result in an absent or disrupted protein product. Loss-of-function variants in GLB1 are known to be pathogenic (PMID: 18524657).

Literature cited by the submitters: PubMed 18524657 (cited by Labcorp Genetics (formerly Invitae), Labcorp).